The following is an entry in ClinVar:

NM_000334.4(SCN4A):c.5468C>G (p.Pro1823Arg)

Genes: GH-LCR (growth hormone locus control region; plus strand), SCN4A (sodium voltage-gated channel alpha subunit 4; minus strand). Cytogenetic location: 17q23.3.
Variant type: single nucleotide variant.
Coding change: c.5468C>G on transcript NM_000334.4 (MANE Select); coding-DNA position 5468, C replaced by G.
Protein change: p.Pro1823Arg; replaces proline 1823 with arginine.
Molecular consequence: missense variant.
Genome position (GRCh38, 1-based): chr17:63,940,814, G>C on the plus strand (C>G on the coding strand, the complement: SCN4A is on the minus strand). VCF-style: chr17-63940814-G-C. GRCh37 (hg19) VCF-style: chr17-62018174-G-C.
Other names: short protein forms P1823R.
Identifiers: ClinVar variation 514878 (VCV000514878.57), dbSNP rs376833596, ClinGen allele CA8708743.

ClinVar aggregate classification (germline): Conflicting classifications of pathogenicity. Review status: criteria provided, conflicting classifications (1 of 4 stars). 6 submissions from 6 submitters: Uncertain significance (2); Likely benign (4). Last evaluated 2025-11-08.

Conditions:
Inborn genetic diseases. Identifiers: MedGen C0950123, MeSH D030342.
Hyperkalemic periodic paralysis. Also called: Familial hyperkalemic periodic paralysis; Gamstorp disease. Identifiers: Orphanet 682, MedGen C0238357, MONDO:0008224, OMIM 170500, HP:0007215.

Allele frequency attached by ClinVar (database versions not stated): gnomAD 0.00010 and 0.00030; TOPMed 0.00016; gnomAD exomes 0.00028 and 0.00068; ExAC 0.00066; 1000 Genomes Project 30x 0.00187; 1000 Genomes Project 0.00240.

Submissions (6):

Labcorp Genetics (formerly Invitae), Labcorp
Classification: Likely benign for Hyperkalemic periodic paralysis. Last evaluated: 2025-11-08. Review status: criteria provided, single submitter. Criteria: Invitae Variant Classification Sherloc (09022015). Collection method: clinical testing. Allele origin: germline.

Revvity Omics, Revvity
Classification: Likely benign. Last evaluated: 2025-01-08. Review status: criteria provided, single submitter. Criteria: ACMG Guidelines, 2015. Collection method: clinical testing. Allele origin: germline.

Blueprint Genetics
Classification: Likely benign. Last evaluated: 2024-11-11. Review status: criteria provided, single submitter. Criteria: ACMG Guidelines, 2015. Collection method: clinical testing. Allele origin: germline.

Ambry Genetics
Classification: Uncertain significance for Inborn genetic diseases. Last evaluated: 2022-07-05. Review status: criteria provided, single submitter. Criteria: Ambry Variant Classification Scheme 2023. Collection method: clinical testing. Allele origin: germline.

CeGaT Center for Human Genetics Tuebingen
Classification: Uncertain significance. Last evaluated: 2018-09-01. Review status: criteria provided, single submitter. Criteria: CeGaT Center For Human Genetics Tuebingen Variant Classification Criteria Version 2. Collection method: clinical testing. Allele origin: germline. Affected: yes. Observed: 1 variant allele.

GeneDx
Classification: Likely benign. Last evaluated: 2018-01-29. Review status: criteria provided, single submitter. Criteria: GeneDx Variant Classification (06012015). Collection method: clinical testing. Allele origin: germline. Affected: yes.
Comment: This variant is considered likely benign or benign based on one or more of the following criteria: it is a conservative change, it occurs at a poorly conserved position in the protein, it is predicted to be benign by multiple in silico algorithms, and/or has population frequency not consistent with disease.